The following is an entry in ClinVar:

NM_000368.5(TSC1):c.1594A>T (p.Asn532Tyr)

Gene: TSC1 (TSC complex subunit 1; minus strand). Cytogenetic location: 9q34.13.
Variant type: single nucleotide variant.
Coding change: c.1594A>T on transcript NM_000368.5 (MANE Select); coding-DNA position 1594, A replaced by T.
Protein change: p.Asn532Tyr; replaces asparagine 532 with tyrosine.
Molecular consequence: missense variant.
Genome position (GRCh38, 1-based): chr9:132,905,984, T>A on the plus strand (A>T on the coding strand, the complement: TSC1 is on the minus strand). VCF-style: chr9-132905984-T-A. GRCh37 (hg19) VCF-style: chr9-135781371-T-A.
Other names: c.1591A>T, p.Asn531Tyr (NM_001162426.2); c.1441A>T, p.Asn481Tyr (NM_001162427.2); c.1231A>T, p.Asn411Tyr (NM_001362177.2); short protein forms N532Y, N411Y, N481Y, N531Y.
Identifiers: ClinVar variation 411218 (VCV000411218.19), dbSNP rs765149885, ClinGen allele CA029180.
Genomic context (GRCh38, chr9:132,905,984, plus strand): 5'-AGGCTTGCTTTGGTGTGTCAGGCCCAAGCTTGTCCAGGGAGGAGTGTAAAGGCTCAGGGT[T>A]CACGCTGGCGCCCTGAGAACTGGAGGCTGCCGAGTGGGTCTTCCGCTGAGAACCTGGGAG-3'
Protein context (NP_000359.1, residues 522-542): AASSSQGASV[Asn532Tyr]PEPLHSSLDK

ClinVar aggregate classification (germline): Conflicting classifications of pathogenicity. Review status: criteria provided, conflicting classifications (1 of 4 stars). 6 submissions from 6 submitters: Uncertain significance (5); Likely benign (1). Last evaluated 2025-11-18.

Conditions:
Tuberous sclerosis syndrome (TSC). Also called: Tuberous Sclerosis Complex; Tuberous sclerosis. Identifiers: Orphanet 805, MedGen C0041341, MONDO:0001734.
Tuberous sclerosis 1 (TSC1). Identifiers: Orphanet 805, MedGen C1854465, MONDO:0008612, OMIM 191100.
Hereditary cancer-predisposing syndrome. Also called: Hereditary neoplastic syndrome; Neoplastic Syndromes, Hereditary; Tumor predisposition; Hereditary Cancer Syndrome. Identifiers: Orphanet 140162, MedGen C0027672, MeSH D009386, MONDO:0015356.

Allele frequency attached by ClinVar (database versions not stated): gnomAD exomes below 0.00001 and 0.00001; ExAC 0.00001.

Submissions (6):

Ambry Genetics
Classification: Uncertain significance for Hereditary cancer-predisposing syndrome. Last evaluated: 2025-11-18. Review status: criteria provided, single submitter. Criteria: Ambry Variant Classification Scheme 2023. Collection method: clinical testing. Allele origin: germline.
Comment: The p.N532Y variant (also known as c.1594A>T), located in coding exon 13 of the TSC1 gene, results from an A to T substitution at nucleotide position 1594. The asparagine at codon 532 is replaced by tyrosine, an amino acid with dissimilar properties. This amino acid position is not well conserved in available vertebrate species. In addition, this alteration is predicted to be tolerated by in silico analysis. Since supporting evidence is limited at this time, the clinical significance of this alteration remains unclear.

Labcorp Genetics (formerly Invitae), Labcorp
Classification: Likely benign for Tuberous sclerosis 1. Last evaluated: 2025-10-16. Review status: criteria provided, single submitter. Criteria: Invitae Variant Classification Sherloc (09022015). Collection method: clinical testing. Allele origin: germline.

All of Us Research Program, National Institutes of Health
Classification: Uncertain significance for Tuberous sclerosis syndrome. Last evaluated: 2024-01-03. Review status: criteria provided, single submitter. Criteria: ACMG Guidelines, 2015. Collection method: clinical testing. Allele origin: germline. Inheritance: Autosomal dominant inheritance. Observed: 1 variant allele, 1 heterozygote.
Comment: This missense variant replaces asparagine with tyrosine at codon 532 of the TSC1 protein. Computational prediction suggests that this variant may not impact protein structure and function (internally defined REVEL score threshold <= 0.5, PMID: 27666373). To our knowledge, functional studies have not been reported for this variant. This variant has not been reported in individuals affected with TSC1-related disorders in the literature. This variant has been identified in 2/251336 chromosomes in the general population by the Genome Aggregation Database (gnomAD). The available evidence is insufficient to determine the role of this variant in disease conclusively. Therefore, this variant is classified as a Variant of Uncertain Significance.

This study involves interpretation of variants in research participants for the purpose of population health screening. Participant phenotype was not available at the time of variant classification. Additional details can be found in publication PMID: 35346344, PMCID: PMC8962531

Color Diagnostics, LLC DBA Color Health
Classification: Uncertain significance for Tuberous sclerosis syndrome. Last evaluated: 2023-08-31. Review status: criteria provided, single submitter. Criteria: ACMG Guidelines, 2015. Collection method: clinical testing. Allele origin: germline.
Comment: This missense variant replaces asparagine with tyrosine at codon 532 of the TSC1 protein. Computational prediction suggests that this variant may not impact protein structure and function. To our knowledge, functional studies have not been reported for this variant. This variant has not been reported in individuals affected with TSC1-related disorders in the literature. This variant has been identified in 2/251336 chromosomes in the general population by the Genome Aggregation Database (gnomAD). The available evidence is insufficient to determine the role of this variant in disease conclusively. Therefore, this variant is classified as a Variant of Uncertain Significance.

Genome-Nilou Lab
Classification: Uncertain significance for Tuberous sclerosis 1. Last evaluated: 2021-11-07. Review status: criteria provided, single submitter. Criteria: ACMG Guidelines, 2015. Collection method: clinical testing. Allele origin: germline. Affected: no.

GeneDx
Classification: Uncertain significance. Last evaluated: 2019-08-15. Review status: criteria provided, single submitter. Criteria: GeneDx Variant Classification Process June 2021. Collection method: clinical testing. Allele origin: germline. Affected: yes.
Comment: In silico analysis, which includes protein predictors and evolutionary conservation, supports that this variant does not alter protein structure/function; Has not been previously published as pathogenic or benign to our knowledge